The following is an entry in ClinVar:

ClinVar aggregate classification (germline): Uncertain significance. Review status: criteria provided, multiple submitters, no conflicts (2 of 4 stars). 2 submissions from 2 submitters: Uncertain significance (2). Last evaluated 2024-07-08.

Allele frequency attached by ClinVar (database versions not stated): gnomAD 0.00001 and 0.00002; gnomAD exomes 0.00002 and 0.00003; TOPMed 0.00003; ExAC 0.00006.
gnomAD v4.1: 33 of 1,614,098 alleles (0.002%); highest among the groups gnomAD compares: East Asian, 0.011%; no homozygotes.

Submissions (2):

GeneDx
Classification: Uncertain significance. Last evaluated: 2024-07-08. Review status: criteria provided, single submitter. Criteria: GeneDx Variant Classification Process June 2021. Collection method: clinical testing. Allele origin: germline. Affected: yes.
Comment: In silico analysis indicates that this missense variant does not alter protein structure/function; Has not been previously published as pathogenic or benign to our knowledge

Labcorp Genetics (formerly Invitae), Labcorp
Classification: Uncertain significance. Last evaluated: 2022-08-06. Review status: criteria provided, single submitter. Criteria: Invitae Variant Classification Sherloc (09022015). Collection method: clinical testing. Allele origin: germline.
Comment: This sequence change replaces arginine, which is basic and polar, with histidine, which is basic and polar, at codon 893 of the WHRN protein (p.Arg893His). This variant is present in population databases (rs773620841, gnomAD 0.01%). This variant has not been reported in the literature in individuals affected with WHRN-related conditions. ClinVar contains an entry for this variant (Variation ID: 958523). Algorithms developed to predict the effect of missense changes on protein structure and function output the following: SIFT: "Deleterious"; PolyPhen-2: "Benign"; Align-GVGD: "Class C0". The histidine amino acid residue is found in multiple mammalian species, which suggests that this missense change does not adversely affect protein function. In summary, the available evidence is currently insufficient to determine the role of this variant in disease. Therefore, it has been classified as a Variant of Uncertain Significance.

NM_015404.4(WHRN):c.2678G>A (p.Arg893His)

Gene: WHRN (whirlin; minus strand). Cytogenetic location: 9q32.
Variant type: single nucleotide variant.
Coding change: c.2678G>A on transcript NM_015404.4 (MANE Select); coding-DNA position 2678, G replaced by A.
Protein change: p.Arg893His; replaces arginine 893 with histidine.
Molecular consequence: missense variant.
Genome position (GRCh38, 1-based): chr9:114,402,800, C>T on the plus strand (G>A on the coding strand, the complement: WHRN is on the minus strand). VCF-style: chr9-114402800-C-T. GRCh37 (hg19) VCF-style: chr9-117165080-C-T.
Other names: c.1529G>A, p.Arg510His (NM_001083885.3); c.2675G>A, p.Arg892His (NM_001173425.2); c.1625G>A, p.Arg542His (NM_001346890.1); c.2678G>A (NM_015404.2); short protein forms R892H, R893H, R542H, R510H.
Identifiers: ClinVar variation 958523 (VCV000958523.8), dbSNP rs773620841, ClinGen allele CA5205555.